The following is an entry in ClinVar:

NM_000540.3(RYR1):c.7496A>G (p.Lys2499Arg)

Gene: RYR1 (ryanodine receptor 1; plus strand). Cytogenetic location: 19q13.2.
Variant type: single nucleotide variant.
Coding change: c.7496A>G on transcript NM_000540.3 (MANE Select); coding-DNA position 7496, A replaced by G.
Protein change: p.Lys2499Arg; replaces lysine 2499 with arginine.
Molecular consequence: missense variant.
Genome position (GRCh38, 1-based): chr19:38,500,872, A>G. VCF-style: chr19-38500872-A-G. GRCh37 (hg19) VCF-style: chr19-38991512-A-G.
Other names: c.7496A>G, p.Lys2499Arg (NM_001042723.2); short protein forms K2499R.
Identifiers: ClinVar variation 2174281 (VCV002174281.4), dbSNP rs1332743294, ClinGen allele CA405670327.

ClinVar aggregate classification (germline): Uncertain significance (1 of 4 stars; one submission).

Conditions:
RYR1-related disorder. Also called: RYR1-related condition; RYR1-related disorders. Identifiers: MedGen CN239331.

Allele frequency attached by ClinVar (database versions not stated): gnomAD exomes below 0.00001; TOPMed below 0.00001.
gnomAD v4.1: 2 of 1,614,122 alleles (0.00012%); highest among the groups gnomAD compares: Admixed American, 0.0017%; no homozygotes.

Submission:

Labcorp Genetics (formerly Invitae), Labcorp
Classification: Uncertain significance for RYR1-related disorder. Last evaluated: 2022-05-04. Review status: criteria provided, single submitter. Criteria: Invitae Variant Classification Sherloc (09022015). Collection method: clinical testing. Allele origin: germline.
Comment: This sequence change replaces lysine, which is basic and polar, with arginine, which is basic and polar, at codon 2499 of the RYR1 protein (p.Lys2499Arg). This variant has not been reported in the literature in individuals affected with RYR1-related conditions. This variant is not present in population databases (gnomAD no frequency). Algorithms developed to predict the effect of missense changes on protein structure and function are either unavailable or do not agree on the potential impact of this missense change (SIFT: "Deleterious"; PolyPhen-2: "Benign"; Align-GVGD: "Class C0"). In summary, the available evidence is currently insufficient to determine the role of this variant in disease. Therefore, it has been classified as a Variant of Uncertain Significance. Algorithms developed to predict the effect of sequence changes on RNA splicing suggest that this variant may create or strengthen a splice site.